The following is an entry in ClinVar:

NM_001194998.2(CEP152):c.799C>T (p.Arg267Ter)

Gene: CEP152 (centrosomal protein 152; minus strand). Cytogenetic location: 15q21.1.
Variant type: single nucleotide variant.
Coding change: c.799C>T on transcript NM_001194998.2 (MANE Select); coding-DNA position 799, C replaced by T.
Protein change: p.Arg267Ter; replaces arginine 267 with a stop codon.
Molecular consequence: nonsense.
Genome position (GRCh38, 1-based): chr15:48,793,354, G>A on the plus strand (C>T on the coding strand, the complement: CEP152 is on the minus strand). VCF-style: chr15-48793354-G-A. GRCh37 (hg19) VCF-style: chr15-49085551-G-A.
Other names: c.799C>T, p.Arg267Ter (NM_014985.4); short protein forms R267*.
Identifiers: ClinVar variation 2189940 (VCV002189940.5), dbSNP rs376895274, ClinGen allele CA7549032.

ClinVar aggregate classification (germline): Pathogenic/Likely pathogenic. Review status: criteria provided, multiple submitters, no conflicts (2 of 4 stars). 2 submissions from 2 submitters: Pathogenic (1); Likely pathogenic (1). Last evaluated 2025-01-30.

Conditions:
Microcephaly 9, primary, autosomal recessive. Identifiers: Orphanet 2512, MedGen C3553886, MONDO:0013923, OMIM 614852.
Seckel syndrome 5 (SCKL5). Identifiers: Orphanet 808, MedGen C3151187, MONDO:0013443, OMIM 613823.

Allele frequency attached by ClinVar (database versions not stated): gnomAD 0.00003; ESP Exome Variant Server 0.00017.
gnomAD v4.1: 55 of 1,613,824 alleles (0.0034%); highest among the groups gnomAD compares: Admixed American, 0.02%; no homozygotes.

Submissions (2):

Labcorp Genetics (formerly Invitae), Labcorp
Classification: Pathogenic. Last evaluated: 2025-01-30. Review status: criteria provided, single submitter. Criteria: Invitae Variant Classification Sherloc (09022015). Collection method: clinical testing. Allele origin: germline.
Comment: This sequence change creates a premature translational stop signal (p.Arg267*) in the CEP152 gene. It is expected to result in an absent or disrupted protein product. Loss-of-function variants in CEP152 are known to be pathogenic (PMID: 21131973). This variant is present in population databases (rs376895274, gnomAD 0.09%). This variant has not been reported in the literature in individuals affected with CEP152-related conditions. ClinVar contains an entry for this variant (Variation ID: 2189940). For these reasons, this variant has been classified as Pathogenic.

Fulgent Genetics
Classification: Likely pathogenic for Seckel syndrome 5; Microcephaly 9, primary, autosomal recessive. Last evaluated: 2024-06-17. Review status: criteria provided, single submitter. Criteria: ACMG Guidelines, 2015. Collection method: clinical testing. Allele origin: germline.

Literature cited by the submitters: PubMed 21131973 (cited by Labcorp Genetics (formerly Invitae), Labcorp).